The following is an entry in ClinVar:

NM_033118.4(MYLK2):c.1546T>A (p.Phe516Ile)

Gene: MYLK2 (myosin light chain kinase 2; plus strand). Cytogenetic location: 20q11.21.
Variant type: single nucleotide variant.
Coding change: c.1546T>A on transcript NM_033118.4 (MANE Select); coding-DNA position 1546, T replaced by A.
Protein change: p.Phe516Ile; replaces phenylalanine 516 with isoleucine.
Molecular consequence: missense variant.
Genome position (GRCh38, 1-based): chr20:31,831,824, T>A. VCF-style: chr20-31831824-T-A. GRCh37 (hg19) VCF-style: chr20-30419627-T-A.
Other names: short protein forms F516I.
Identifiers: ClinVar variation 953752 (VCV000953752.9), dbSNP rs2062307970, ClinGen allele CA408528134.
Genomic context (GRCh38, chr20:31,831,824, plus strand): 5'-TCTGGCAACTGGTACTTTGATGAAGAGACCTTTGAGGCCGTATCAGACGAGGCCAAAGAC[T>A]TTGTCTCCAACCTCATCGTCAAGGACCAGAGGTGAGGCTCACCCCAGAACCTGAACTGTA-3'
Protein context (NP_149109.1, residues 506-526): FEAVSDEAKD[Phe516Ile]VSNLIVKDQR

ClinVar aggregate classification (germline): Uncertain significance (1 of 4 stars; one submission).

Conditions:
Hypertrophic cardiomyopathy 1 (CMH1). Also called: Familial hypertrophic cardiomyopathy 1; MYH7-Related Familial Hypertrophic Cardiomyopathy. Identifiers: MedGen C3495498, MONDO:0008647, OMIM 192600.

Submission:

Labcorp Genetics (formerly Invitae), Labcorp
Classification: Uncertain significance for Hypertrophic cardiomyopathy 1. Last evaluated: 2019-10-18. Review status: criteria provided, single submitter. Criteria: Invitae Variant Classification Sherloc (09022015). Collection method: clinical testing. Allele origin: germline.
Comment: In summary, the available evidence is currently insufficient to determine the role of this variant in disease. Therefore, it has been classified as a Variant of Uncertain Significance. This sequence change replaces phenylalanine with isoleucine at codon 516 of the MYLK2 protein (p.Phe516Ile). The phenylalanine residue is highly conserved and there is a small physicochemical difference between phenylalanine and isoleucine. This variant is not present in population databases (ExAC no frequency). This variant has not been reported in the literature in individuals with MYLK2-related conditions. Algorithms developed to predict the effect of missense changes on protein structure and function are either unavailable or do not agree on the potential impact of this missense change (SIFT: "Deleterious"; PolyPhen-2: "Probably Damaging"; Align-GVGD: "Class C15").